The following is an entry in ClinVar:

NM_001354768.3(NRL):c.92G>A (p.Arg31Gln)

Gene: NRL (neural retina leucine zipper; minus strand). Cytogenetic location: 14q11.2.
Variant type: single nucleotide variant.
Coding change: c.92G>A on transcript NM_001354768.3 (MANE Select); coding-DNA position 92, G replaced by A.
Protein change: p.Arg31Gln; replaces arginine 31 with glutamine.
Molecular consequence: missense variant. On other transcripts: intron variant (1).
Genome position (GRCh38, 1-based): chr14:24,082,757, C>T on the plus strand (G>A on the coding strand, the complement: NRL is on the minus strand). VCF-style: chr14-24082757-C-T. GRCh37 (hg19) VCF-style: chr14-24551966-C-T.
Other names: c.92G>A (NM_006177.3); c.92G>A, p.Arg31Gln (NM_001354769.1, NM_006177.5); c.66+26G>A (NM_001354770.2); short protein forms R31Q.
Identifiers: ClinVar variation 2189227 (VCV002189227.6), dbSNP rs369302162, ClinGen allele CA7122927.
Genomic context (GRCh38, chr14:24,082,757, plus strand): 5'-GGTGAAGGAGGCACTGAGCTGTAAGGTGTGGAGCCCAGTGAGGCTGTAGGGGGGCCAGGT[C>T]GGCCCTCAGAGGGTTCCCGCTTTACCTCAAACTTCATCAAGTCAAAGTCATTGACATATT-3'
Protein context (NP_001341697.1, residues 21-41): FEVKREPSEG[Arg31Gln]PGPPTASLGS

ClinVar aggregate classification (germline): Uncertain significance. Review status: criteria provided, multiple submitters, no conflicts (2 of 4 stars). 3 submissions from 3 submitters: Uncertain significance (3). Last evaluated 2025-11-02.

Conditions:
Inborn genetic diseases. Identifiers: MedGen C0950123, MeSH D030342.

Allele frequency attached by ClinVar (database versions not stated): gnomAD 0.00001; ExAC 0.00002; gnomAD exomes 0.00002; TOPMed 0.00002; ESP Exome Variant Server 0.00008.
gnomAD v4.1: 34 of 1,614,042 alleles (0.0021%); highest among the groups gnomAD compares: Non-Finnish European, 0.0027%; no homozygotes.

Submissions (3):

Ambry Genetics
Classification: Uncertain significance for Inborn genetic diseases. Last evaluated: 2025-11-02. Review status: criteria provided, single submitter. Criteria: Ambry Variant Classification Scheme 2023. Collection method: clinical testing. Allele origin: germline.

Labcorp Genetics (formerly Invitae), Labcorp
Classification: Uncertain significance. Last evaluated: 2025-02-03. Review status: criteria provided, single submitter. Criteria: Invitae Variant Classification Sherloc (09022015). Collection method: clinical testing. Allele origin: germline.
Comment: This sequence change replaces arginine, which is basic and polar, with glutamine, which is neutral and polar, at codon 31 of the NRL protein (p.Arg31Gln). This variant is present in population databases (rs369302162, gnomAD 0.004%). This variant has not been reported in the literature in individuals affected with NRL-related conditions. ClinVar contains an entry for this variant (Variation ID: 2189227). An algorithm developed to predict the effect of missense changes on protein structure and function outputs the following: PolyPhen-2: "Benign". The glutamine amino acid residue is found in multiple mammalian species, which suggests that this missense change does not adversely affect protein function. In summary, the available evidence is currently insufficient to determine the role of this variant in disease. Therefore, it has been classified as a Variant of Uncertain Significance.

Blueprint Genetics
Classification: Uncertain significance. Last evaluated: 2018-09-19. Review status: criteria provided, single submitter. Criteria: ACMG Guidelines, 2015. Collection method: clinical testing. Allele origin: germline.